The following is an entry in ClinVar:

ClinVar aggregate classification (germline): Uncertain significance (1 of 4 stars; one submission).

Conditions:
Cardiovascular phenotype. Identifiers: MedGen CN230736.

gnomAD v4.1: 14 of 1,579,354 alleles (0.00089%); highest among the groups gnomAD compares: Non-Finnish European, 0.0012%; no homozygotes.

Submission:

Ambry Genetics
Classification: Uncertain significance for Cardiovascular phenotype. Last evaluated: 2026-07-04. Review status: criteria provided, single submitter. Criteria: Ambry Variant Classification Scheme 2023. Collection method: clinical testing. Allele origin: germline.
Comment: The p.G355S variant (also known as c.1063G>A), located in coding exon 2 of the TNXB gene, results from a G to A substitution at nucleotide position 1063. The glycine at codon 355 is replaced by serine, an amino acid with similar properties. This amino acid position is conserved. In addition, this alteration is predicted to be tolerated by in silico analysis. Based on the available evidence, the clinical significance of this variant remains unclear.

NM_001365276.2(TNXB):c.1063G>A (p.Gly355Ser)

Gene: TNXB (tenascin XB; minus strand). Cytogenetic location: 6p21.33.
Variant type: single nucleotide variant.
Coding change: c.1063G>A on transcript NM_001365276.2 (MANE Select); coding-DNA position 1063, G replaced by A.
Protein change: p.Gly355Ser; replaces glycine 355 with serine.
Molecular consequence: missense variant.
Genome position (GRCh38, 1-based): chr6:32,096,790, C>T on the plus strand (G>A on the coding strand, the complement: TNXB is on the minus strand). VCF-style: chr6-32096790-C-T. GRCh37 (hg19) VCF-style: chr6-32064567-C-T.
Other names: c.1063G>A, p.Gly355Ser (NM_001428335.1, NM_019105.8); short protein forms G355S.
Identifiers: ClinVar variation 5031016 (VCV005031016.1).
Genomic context (GRCh38, chr6:32,096,790, plus strand): 5'-TCGGACATGTCCGCGTGCTGCAGTCCTCGCCTGTGTACCCGGGCCAGCACACGCAGCGGC[C>T]GTCCACGCAGCGCCCGCCCTCGCCACAGTCCCAGGGGCAGCTCCGCGTACCACAGTCCTC-3'
Protein context (NP_001352205.1, residues 345-365): DCGEGGRCVD[Gly355Ser]RCVCWPGYTG